The following is an entry in ClinVar:

NM_000044.6(AR):c.2656C>T (p.His886Tyr)

Gene: AR (androgen receptor; plus strand). Cytogenetic location: Xq12.
Variant type: single nucleotide variant.
Coding change: c.2656C>T on transcript NM_000044.6 (MANE Select); coding-DNA position 2656, C replaced by T.
Protein change: p.His886Tyr; replaces histidine 886 with tyrosine.
Molecular consequence: missense variant.
Genome position (GRCh38, 1-based): chrX:67,723,734, C>T. VCF-style: chrX-67723734-C-T. GRCh37 (hg19) VCF-style: chrX-66943576-C-T.
Other names: c.1060C>T, p.His354Tyr (NM_001011645.3); c.2659C>T, p.His887Tyr (NM_001424175.1); short protein forms H886Y, H354Y, H887Y.
Identifiers: ClinVar variation 2941472 (VCV002941472.5), dbSNP rs2147540375, ClinGen allele CA413428255.
Genomic context (GRCh38, chrX:67,723,734, plus strand): 5'-TGTTCCCTACAGATTGCGAGAGAGCTGCATCAGTTCACTTTTGACCTGCTAATCAAGTCA[C>T]ACATGGTGAGCGTGGACTTTCCGGAAATGATGGCAGAGATCATCTCTGTGCAAGTGCCCA-3'
Protein context (NP_000035.2, residues 876-896): QFTFDLLIKS[His886Tyr]MVSVDFPEMM

ClinVar aggregate classification (germline): Uncertain significance. Review status: criteria provided, multiple submitters, no conflicts (2 of 4 stars). 2 submissions from 2 submitters: Uncertain significance (2). Last evaluated 2022-11-10.

Conditions:
Androgen resistance syndrome (AIS). Also called: ANDROGEN RECEPTOR DEFICIENCY; DIHYDROTESTOSTERONE RECEPTOR DEFICIENCY; TESTICULAR FEMINIZATION SYNDROME; Androgen insensitivity syndrome; Androgen insensitivity, complete; Androgen insensitivity syndrome due to coactivator deficiency. Identifiers: Orphanet 754, Orphanet 99429, MedGen C0039585, MONDO:0019154, OMIM 300068. Disease mechanism: loss of function.
Kennedy disease (SMAX1). Also called: SPINAL AND BULBAR MUSCULAR ATROPHY, X-LINKED 1; KENNEDY SPINAL AND BULBAR MUSCULAR ATROPHY; Spinal and Bulbar Muscular Atrophy. Identifiers: Orphanet 481, MedGen C1839259, MONDO:0010735, OMIM 313200.
Hypospadias 1, X-linked (HYSP1). Identifiers: Orphanet 440, MedGen C2678098, MONDO:0010384, OMIM 300633.
Partial androgen insensitivity syndrome (PAIS). Also called: ANDROGEN INSENSITIVITY, PARTIAL, WITH OR WITHOUT BREAST CANCER; Gynecomastia, familial; Reifenstein syndrome; Partial Androgen Insensitivity Syndrome (PAIS); Pseudohermaphroditism, Incomplete male, type I; Reifenstein syndrome, partial. Identifiers: Orphanet 90797, MedGen C0268301, MONDO:0010720, OMIM 312300.
Familial prostate cancer. Also called: Hereditary Prostate Cancer. Identifiers: MedGen C2931456, MONDO:0700275, OMIM 176807.

Submissions (2):

Labcorp Genetics (formerly Invitae), Labcorp
Classification: Uncertain significance for Kennedy disease; Androgen resistance syndrome. Last evaluated: 2022-11-10. Review status: criteria provided, single submitter. Criteria: Invitae Variant Classification Sherloc (09022015). Collection method: clinical testing. Allele origin: germline.
Comment: This sequence change replaces histidine, which is basic and polar, with tyrosine, which is neutral and polar, at codon 886 of the AR protein (p.His886Tyr). This variant is not present in population databases (gnomAD no frequency). This variant has not been reported in the literature in individuals affected with AR-related conditions. Advanced modeling of protein sequence and biophysical properties (such as structural, functional, and spatial information, amino acid conservation, physicochemical variation, residue mobility, and thermodynamic stability) has been performed at Invitae for this missense variant, however the output from this modeling did not meet the statistical confidence thresholds required to predict the impact of this variant on AR protein function. In summary, the available evidence is currently insufficient to determine the role of this variant in disease. Therefore, it has been classified as a Variant of Uncertain Significance.

Juno Genomics, Hangzhou Juno Genomics, Inc
Classification: Uncertain significance for Familial prostate cancer; Androgen resistance syndrome; Partial androgen insensitivity syndrome; Hypospadias 1, X-linked; Kennedy disease. Review status: criteria provided, single submitter. Criteria: ACMG Guidelines, 2015. Collection method: clinical testing. Allele origin: germline.
Comment: Absent from controls (or at extremely low frequency if recessive) in Genome Aggregation Database.